The following is an entry in ClinVar:

ClinVar aggregate classification (germline): Likely pathogenic (0 of 4 stars; one submission).

Conditions:
COL11A1-related disorder. Also called: COL11A1-related disorders; COL11A1-related condition.

Submission:

PreventionGenetics, part of Exact Sciences
Classification: Likely pathogenic for COL11A1-related condition. Last evaluated: 2024-06-25. Review status: no assertion criteria provided. Collection method: clinical testing. Allele origin: germline.
Comment: The COL11A1 c.2026G>C variant is predicted to result in the amino acid substitution p.Gly676Arg. This variant has been reported in an individual with overlapping Marshall and Stickler syndrome phenotypes (denoted as G148R using legacy nomenclature, Annunen et al 1999. PubMed ID: 10486316). This variant has not been reported in a large population database, indicating this variant is rare. This variant affects a Gly residue of the conserved Gly-Xaa-Yaa triple helical domain (amino acid residues 529-1542), where substitutions of glycine are usually pathogenic (Richards et al. 2010. PubMed ID: 20513134). This variant is interpreted as likely pathogenic.

NM_001854.4(COL11A1):c.2026G>C (p.Gly676Arg)

Gene: COL11A1 (collagen type XI alpha 1 chain; minus strand). Cytogenetic location: 1p21.1.
Variant type: single nucleotide variant.
Coding change: c.2026G>C on transcript NM_001854.4 (MANE Select); coding-DNA position 2026, G replaced by C.
Protein change: p.Gly676Arg; replaces glycine 676 with arginine.
Molecular consequence: missense variant. On other transcripts: non-coding transcript variant (1).
Genome position (GRCh38, 1-based): chr1:103,002,764, C>G on the plus strand (G>C on the coding strand, the complement: COL11A1 is on the minus strand). VCF-style: chr1-103002764-C-G. GRCh37 (hg19) VCF-style: chr1-103468320-C-G.
Other names: c.1909G>C, p.Gly637Arg (NM_001190709.2); c.2062G>C, p.Gly688Arg (NM_080629.3); c.1678G>C, p.Gly560Arg (NM_080630.4); short protein forms G560R, G637R, G676R, G688R.
Identifiers: ClinVar variation 3345802 (VCV003345802.1).